The following is an entry in ClinVar:

ClinVar aggregate classification (germline): Pathogenic (1 of 4 stars; one submission).

Conditions:
Lethal osteosclerotic bone dysplasia (RNS). Also called: Osteomalacia, sclerosing, with cerebral calcification. Identifiers: Orphanet 1832, MedGen C1850106, MONDO:0009821, OMIM 259775.

Submission:

Department of Clinical Genetics, Nicolaus Copernicus University
Classification: Pathogenic for Lethal osteosclerotic bone dysplasia. Last evaluated: 2022-11-16. Review status: criteria provided, single submitter. Criteria: ACMG Guidelines, 2015. Collection method: research. Allele origin: paternal. Affected: yes. Observed: 3 variant alleles.
Comment: The NM_020223.4:c.307_308dupTC (p.(Ser104ArgfsTer27)) variant has been classified as pathogenic according the following ACMG criteria: PP1 Supporting – Co-segregation with disease in multiple affected family members in a gene definitively known to cause the disease. PP4 Supporting - Patient's phenotype or family history is highly specific for a disease with a single genetic etiology. The patient’s phenotype is consistent with Raine syndrome, a monogenic autosomal recessive disorder caused by biallelic mutations in the FAM20C gene. PM3 Moderate - For recessive disorders, detected in trans with a pathogenic variant, or in a homozygous or compound heterozygous state in affected cases. The variant in present in trans with a heterozygous deletion in chromosome 7 (arr[GRCh37] 7p22.3(170366_229852)x1) encompassing exons 1-3 of the FAM20C gene. PVS1 Very Strong - Null variant in a gene where loss of function is a known mechanism of disease. The NM_020223.4:c.307_308dupTC (p.(Ser104ArgfsTer27)) is a null variant (frameshift indel). Loss of function is a known mechanism of Raine syndrome. The variant is predicted to undergo nonsense-mediated decay (NMD), it is located in the coding exon number 1 out of 10 coding exons. PM2 Moderate - Extremely low frequency in gnomAD population databases The variant is absent in gnomAD population database. This CNV was observed in compound heterozygous state with variant arr[GRCh37] 7p22.3(170366_229852)x1.

NM_020223.4(FAM20C):c.307_308dup (p.Ser104fs)

Gene: FAM20C (FAM20C golgi associated secretory pathway kinase; plus strand). Cytogenetic location: 7p22.3.
Variant type: Microsatellite.
Coding change: c.307_308dup on transcript NM_020223.4 (MANE Select); coding-DNA positions 307 to 308, 2 bases duplicated (TC; older notation c.307_308dupTC).
Protein change: p.Ser104fs; shifts the reading frame from serine 104.
Molecular consequence: frameshift variant.
Genome position (GRCh38, 1-based): chr7:193,506-193,507, TC duplicated; duplicating any 2 consecutive bases within chr7:193,503-193,507 gives the same sequence; the c. name uses the placement nearest the transcript's 3' end. VCF-style (leftmost placement, unchanged base first): chr7-193502-C-CCT. GRCh37 (hg19) VCF-style: chr7-193502-C-CCT.
Other names: c.307_308dupTC (NM_020223.4); short protein forms S104fs.
Identifiers: ClinVar variation 4538529 (VCV004538529.1).